The following is an entry in ClinVar:

ClinVar aggregate classification (germline): Uncertain significance (1 of 4 stars; one submission).

Conditions:
Accelerated tumor formation, susceptibility to (ACTFS). Identifiers: MedGen C3280690, OMIM 614401, MONDO:0013733.

Submission:

Labcorp Genetics (formerly Invitae), Labcorp
Classification: Uncertain significance for Accelerated tumor formation, susceptibility to. Last evaluated: 2021-03-31. Review status: criteria provided, single submitter. Criteria: Invitae Variant Classification Sherloc (09022015). Collection method: clinical testing. Allele origin: germline.
Comment: This sequence change replaces aspartic acid with histidine at codon 52 of the MDM2 protein (p.Asp52His). The aspartic acid residue is highly conserved and there is a moderate physicochemical difference between aspartic acid and histidine. This variant is not present in population databases (ExAC no frequency). This variant has not been reported in the literature in individuals with MDM2-related conditions. Algorithms developed to predict the effect of missense changes on protein structure and function are either unavailable or do not agree on the potential impact of this missense change (SIFT: "Deleterious"; PolyPhen-2: "Probably Damaging"; Align-GVGD: "Class C0"). In summary, the available evidence is currently insufficient to determine the role of this variant in disease. Therefore, it has been classified as a Variant of Uncertain Significance.

NM_002392.6(MDM2):c.154G>C (p.Asp52His)

Gene: MDM2 (MDM2 proto-oncogene; plus strand). Cytogenetic location: 12q15.
Variant type: single nucleotide variant.
Coding change: c.154G>C on transcript NM_002392.6 (MANE Select); coding-DNA position 154, G replaced by C.
Protein change: p.Asp52His; replaces aspartic acid 52 with histidine.
Molecular consequence: missense variant.
Genome position (GRCh38, 1-based): chr12:68,813,608, G>C. VCF-style: chr12-68813608-G-C. GRCh37 (hg19) VCF-style: chr12-69207388-G-C.
Other names: c.136G>C, p.Asp46His (NM_001145337.3, NM_001145340.3, NM_001278462.2 and 1 more transcripts); c.154G>C, p.Asp52His (NM_001145339.2); short protein forms D46H, D52H.
Identifiers: ClinVar variation 1407040 (VCV001407040.8), dbSNP rs2136114145, ClinGen allele CA385703442.
Genomic context (GRCh38, chr12:68,813,608, plus strand): 5'-TTATAGGTTAGACCAAAGCCATTGCTTTTGAAGTTATTAAAGTCTGTTGGTGCACAAAAA[G>C]ACACTTATACTATGAAAGAGGTAAGCTGAATCAAGAGATAAGTAGTATCTCACTAGTTAC-3'
Protein context (NP_002383.2, residues 42-62): KLLKSVGAQK[Asp52His]TYTMKEVLFY